The following is an entry in ClinVar:

ClinVar aggregate classification (germline): Uncertain significance (1 of 4 stars; one submission).

Allele frequency attached by ClinVar (database versions not stated): ExAC 0.00002; TOPMed 0.00004; gnomAD 0.00001.
gnomAD v4.1: 51 of 1,612,986 alleles (0.0032%); highest among the groups gnomAD compares: East Asian, 0.02%; no homozygotes.

Submission:

Labcorp Genetics (formerly Invitae), Labcorp
Classification: Uncertain significance. Last evaluated: 2024-06-03. Review status: criteria provided, single submitter. Criteria: Invitae Variant Classification Sherloc (09022015). Collection method: clinical testing. Allele origin: germline.
Comment: This sequence change replaces arginine, which is basic and polar, with cysteine, which is neutral and slightly polar, at codon 784 of the VARS2 protein (p.Arg784Cys). This variant is present in population databases (rs754862639, gnomAD 0.02%). This variant has not been reported in the literature in individuals affected with VARS2-related conditions. ClinVar contains an entry for this variant (Variation ID: 2062796). Advanced modeling of protein sequence and biophysical properties (such as structural, functional, and spatial information, amino acid conservation, physicochemical variation, residue mobility, and thermodynamic stability) performed at Invitae indicates that this missense variant is expected to disrupt VARS2 protein function with a positive predictive value of 80%. In summary, the available evidence is currently insufficient to determine the role of this variant in disease. Therefore, it has been classified as a Variant of Uncertain Significance.

NM_020442.6(VARS2):c.2260C>T (p.Arg754Cys)

Genes: VARS2 (valyl-tRNA synthetase 2, mitochondrial; plus strand), LOC126859646 (MED14-independent group 3 enhancer GRCh37_chr6:30889690-30890889; plus strand). Cytogenetic location: 6p21.33.
Variant type: single nucleotide variant.
Coding change: c.2260C>T on transcript NM_020442.6 (MANE Select); coding-DNA position 2260, C replaced by T.
Protein change: p.Arg754Cys; replaces arginine 754 with cysteine.
Molecular consequence: missense variant.
Genome position (GRCh38, 1-based): chr6:30,923,178, C>T. VCF-style: chr6-30923178-C-T. GRCh37 (hg19) VCF-style: chr6-30890955-C-T.
Other names: c.1840C>T, p.Arg614Cys (NM_001167733.3); c.2350C>T, p.Arg784Cys (NM_001167734.2); short protein forms R754C, R614C, R784C.
Identifiers: ClinVar variation 2062796 (VCV002062796.4), dbSNP rs754862639, ClinGen allele CA3706219.